The following is an entry in ClinVar:

ClinVar aggregate classification (germline): Uncertain significance (1 of 4 stars; one submission).

gnomAD v4.1: 1 of 1,614,040 alleles (0.000062%); highest among the groups gnomAD compares: Admixed American, 0.0017%; no homozygotes.

Submission:

Labcorp Genetics (formerly Invitae), Labcorp
Classification: Uncertain significance. Last evaluated: 2024-04-24. Review status: criteria provided, single submitter. Criteria: Invitae Variant Classification Sherloc (09022015). Collection method: clinical testing. Allele origin: germline.
Comment: This sequence change replaces arginine, which is basic and polar, with glutamine, which is neutral and polar, at codon 2598 of the ATR protein (p.Arg2598Gln). This variant is present in population databases (no rsID available, gnomAD 0.003%). This variant has not been reported in the literature in individuals affected with ATR-related conditions. An algorithm developed to predict the effect of missense changes on protein structure and function (PolyPhen-2) suggests that this variant is likely to be disruptive. In summary, the available evidence is currently insufficient to determine the role of this variant in disease. Therefore, it has been classified as a Variant of Uncertain Significance.

NM_001184.4(ATR):c.7793G>A (p.Arg2598Gln)

Gene: ATR (ATR checkpoint kinase; minus strand). Cytogenetic location: 3q23.
Variant type: single nucleotide variant.
Coding change: c.7793G>A on transcript NM_001184.4 (MANE Select); coding-DNA position 7793, G replaced by A.
Protein change: p.Arg2598Gln; replaces arginine 2598 with glutamine.
Molecular consequence: missense variant.
Genome position (GRCh38, 1-based): chr3:142,449,571, C>T on the plus strand (G>A on the coding strand, the complement: ATR is on the minus strand). VCF-style: chr3-142449571-C-T. GRCh37 (hg19) VCF-style: chr3-142168413-C-T.
Other names: c.7601G>A, p.Arg2534Gln (NM_001354579.2); short protein forms R2534Q, R2598Q.
Identifiers: ClinVar variation 3693103 (VCV003693103.2).
Genomic context (GRCh38, chr3:142,449,571, plus strand): 5'-CCTTCAATAGATAACGGCAGTCCTGTCACTCTATTTCGAGTCTTGATTACACCTTGTAGT[C>T]GCTGCTCAATGTCAAGAACATGGGTCTTGGCCTAAAAAGAAGAAACATAAAACCAAAAAC-3'
Protein context (NP_001175.2, residues 2588-2608): AKTHVLDIEQ[Arg2598Gln]LQGVIKTRNR